The following is an entry in ClinVar:

NM_033004.4(NLRP1):c.1530C>G (p.Asn510Lys)

Gene: NLRP1 (NLR family pyrin domain containing 1; minus strand). Cytogenetic location: 17p13.2.
Variant type: single nucleotide variant.
Coding change: c.1530C>G on transcript NM_033004.4 (MANE Select); coding-DNA position 1530, C replaced by G.
Protein change: p.Asn510Lys; replaces asparagine 510 with lysine.
Molecular consequence: missense variant.
Genome position (GRCh38, 1-based): chr17:5,559,166, G>C on the plus strand (C>G on the coding strand, the complement: NLRP1 is on the minus strand). VCF-style: chr17-5559166-G-C. GRCh37 (hg19) VCF-style: chr17-5462486-G-C.
Other names: c.1530C>G, p.Asn510Lys (NM_001033053.3, NM_014922.5, NM_033006.4 and 1 more transcripts); short protein forms N510K.
Identifiers: ClinVar variation 2979774 (VCV002979774.4), dbSNP rs1914448223, ClinGen allele CA397385501.
Genomic context (GRCh38, chr17:5,559,166, plus strand): 5'-CAGGCAAGTGCAGGCCAGCCAGGACACCCAGGGCACAAGACACAGGGCCCAGAGCTCTTT[G>C]TTTGATTTGACCAACCTAAAGGCTCTAATTGCTTGCCTTTCATCTGTGAAATATCTGTAG-3'
Protein context (NP_127497.1, residues 500-520): AIRAFRLVKS[Asn510Lys]KELWALCLVP

ClinVar aggregate classification (germline): Uncertain significance. Review status: criteria provided, multiple submitters, no conflicts (2 of 4 stars). 2 submissions from 2 submitters: Uncertain significance (2). Last evaluated 2023-05-22.

Allele frequency attached by ClinVar (database versions not stated): TOPMed 0.00001.

Submissions (2):

Labcorp Genetics (formerly Invitae), Labcorp
Classification: Uncertain significance. Last evaluated: 2023-05-22. Review status: criteria provided, single submitter. Criteria: Invitae Variant Classification Sherloc (09022015). Collection method: clinical testing. Allele origin: germline.
Comment: This sequence change replaces asparagine, which is neutral and polar, with lysine, which is basic and polar, at codon 510 of the NLRP1 protein (p.Asn510Lys). This variant is not present in population databases (gnomAD no frequency). This variant has not been reported in the literature in individuals affected with NLRP1-related conditions. An algorithm developed to predict the effect of missense changes on protein structure and function (PolyPhen-2) suggests that this variant is likely to be disruptive. In summary, the available evidence is currently insufficient to determine the role of this variant in disease. Therefore, it has been classified as a Variant of Uncertain Significance.

Blueprint Genetics
Classification: Uncertain significance. Last evaluated: 2020-06-02. Review status: criteria provided, single submitter. Criteria: ACMG Guidelines, 2015. Collection method: clinical testing. Allele origin: germline.